The following is an entry in ClinVar:

ClinVar aggregate classification (germline): Uncertain significance (1 of 4 stars; one submission).

Submission:

Ambry Genetics
Classification: Uncertain significance. Last evaluated: 2023-09-06. Review status: criteria provided, single submitter. Criteria: Ambry Variant Classification Scheme 2023. Collection method: clinical testing. Allele origin: germline.
Comment: The p.P1048R variant (also known as c.3143C>G), located in coding exon 17 of the NPAT gene, results from a C to G substitution at nucleotide position 3143. The proline at codon 1048 is replaced by arginine, an amino acid with dissimilar properties. This amino acid position is conserved. In addition, this alteration is predicted to be tolerated by in silico analysis. Since supporting evidence is limited at this time, the clinical significance of this alteration remains unclear.

NM_002519.3(NPAT):c.3143C>G (p.Pro1048Arg)

Gene: NPAT (nuclear protein, coactivator of histone transcription; minus strand). Cytogenetic location: 11q22.3.
Variant type: single nucleotide variant.
Coding change: c.3143C>G on transcript NM_002519.3 (MANE Select); coding-DNA position 3143, C replaced by G.
Protein change: p.Pro1048Arg; replaces proline 1048 with arginine.
Molecular consequence: missense variant.
Genome position (GRCh38, 1-based): chr11:108,161,943, G>C on the plus strand (C>G on the coding strand, the complement: NPAT is on the minus strand). VCF-style: chr11-108161943-G-C. GRCh37 (hg19) VCF-style: chr11-108032670-G-C.
Other names: c.3164C>G, p.Pro1055Arg (NM_001321307.1); short protein forms P1048R, P1055R.
Identifiers: ClinVar variation 2587689 (VCV002587689.2), dbSNP rs1001338894, ClinGen allele CA382511438.